The following is an entry in ClinVar:

NM_001122769.3(LCA5):c.1990A>G (p.Ser664Gly)

Gene: LCA5 (lebercilin LCA5; minus strand). Cytogenetic location: 6q14.1.
Variant type: single nucleotide variant.
Coding change: c.1990A>G on transcript NM_001122769.3 (MANE Select); coding-DNA position 1990, A replaced by G.
Protein change: p.Ser664Gly; replaces serine 664 with glycine.
Molecular consequence: missense variant.
Genome position (GRCh38, 1-based): chr6:79,487,108, T>C on the plus strand (A>G on the coding strand, the complement: LCA5 is on the minus strand). VCF-style: chr6-79487108-T-C. GRCh37 (hg19) VCF-style: chr6-80196825-T-C.
Other names: c.1990A>G, p.Ser664Gly (NM_181714.4); short protein forms S664G.
Identifiers: ClinVar variation 1054983 (VCV001054983.4), dbSNP rs552712900, ClinGen allele CA3900741.

ClinVar aggregate classification (germline): Uncertain significance. Review status: criteria provided, single submitter (1 of 4 stars). 2 submissions from 2 submitters: Uncertain significance (1). 1 of the submissions does not count toward it. Last evaluated 2024-10-23.

Conditions:
Leber congenital amaurosis 5 (LCA5). Also called: Amaurosis congenita of Leber, type 5. Identifiers: Orphanet 65, MedGen C1858301, MONDO:0011473, OMIM 604537.

Allele frequency attached by ClinVar (database versions not stated): gnomAD exomes below 0.00001; ExAC 0.00001; gnomAD 0.00001; 1000 Genomes Project 30x 0.00016; 1000 Genomes Project 0.00020.
gnomAD v4.1: 2 of 1,613,960 alleles (0.00012%); highest among the groups gnomAD compares: East Asian, 0.0022%; no homozygotes.

Submissions (2):

Labcorp Genetics (formerly Invitae), Labcorp
Classification: Uncertain significance. Last evaluated: 2024-10-23. Review status: criteria provided, single submitter. Criteria: Invitae Variant Classification Sherloc (09022015). Collection method: clinical testing. Allele origin: germline.
Comment: This sequence change replaces serine, which is neutral and polar, with glycine, which is neutral and non-polar, at codon 664 of the LCA5 protein (p.Ser664Gly). This variant is present in population databases (rs552712900, gnomAD 0.006%). This variant has not been reported in the literature in individuals affected with LCA5-related conditions. ClinVar contains an entry for this variant (Variation ID: 1054983). An algorithm developed to predict the effect of missense changes on protein structure and function outputs the following: PolyPhen-2: "Benign". The glycine amino acid residue is found in multiple mammalian species, which suggests that this missense change does not adversely affect protein function. In summary, the available evidence is currently insufficient to determine the role of this variant in disease. Therefore, it has been classified as a Variant of Uncertain Significance.

Natera, Inc.
Classification: Uncertain significance for Leber congenital amaurosis type 5. Last evaluated: 2020-02-21. Review status: no assertion criteria provided. Collection method: clinical testing. Allele origin: germline. Not counted in ClinVar's aggregate classification.